The following is an entry in ClinVar:

ClinVar aggregate classification (germline): Uncertain significance (1 of 4 stars; one submission).

Conditions:
Cardiovascular phenotype. Identifiers: MedGen CN230736.

Allele frequency attached by ClinVar (database versions not stated): ExAC 0.00004.

Submission:

Ambry Genetics
Classification: Uncertain significance for Cardiovascular phenotype. Last evaluated: 2023-07-17. Review status: criteria provided, single submitter. Criteria: Ambry Variant Classification Scheme 2023. Collection method: clinical testing. Allele origin: germline.
Comment: The p.V1141G variant (also known as c.3422T>G), located in coding exon 19 of the SCN10A gene, results from a T to G substitution at nucleotide position 3422. The valine at codon 1141 is replaced by glycine, an amino acid with dissimilar properties. This amino acid position is poorly conserved in available vertebrate species. In addition, the in silico prediction for this alteration is inconclusive. The evidence for this gene-disease relationship is limited; therefore, the clinical significance of this alteration is unclear.

NM_006514.4(SCN10A):c.3422T>G (p.Val1141Gly)

Genes: SCN10A (sodium voltage-gated channel alpha subunit 10; minus strand), LOC110121288 (VISTA enhancer hs2268; plus strand). Cytogenetic location: 3p22.2.
Variant type: single nucleotide variant.
Coding change: c.3422T>G on transcript NM_006514.4 (MANE Select); coding-DNA position 3422, T replaced by G.
Protein change: p.Val1141Gly; replaces valine 1141 with glycine.
Molecular consequence: missense variant.
Genome position (GRCh38, 1-based): chr3:38,722,343, A>C on the plus strand (T>G on the coding strand, the complement: SCN10A is on the minus strand). VCF-style: chr3-38722343-A-C. GRCh37 (hg19) VCF-style: chr3-38763834-A-C.
Other names: c.3419T>G, p.Val1140Gly (NM_001293306.2); c.3128T>G, p.Val1043Gly (NM_001293307.2); short protein forms V1140G, V1043G, V1141G.
Identifiers: ClinVar variation 2625765 (VCV002625765.2), dbSNP rs759562845, ClinGen allele CA2320239.